The following is an entry in ClinVar:

ClinVar aggregate classification (germline): Uncertain significance (1 of 4 stars; one submission).

Conditions:
Hereditary cancer-predisposing syndrome. Also called: Tumor predisposition; Neoplastic Syndromes, Hereditary; Hereditary Cancer Syndrome; Hereditary neoplastic syndrome. Identifiers: Orphanet 140162, MedGen C0027672, MeSH D009386, MONDO:0015356.

gnomAD v4.1: 1 of 1,614,016 alleles (0.000062%); highest among the groups gnomAD compares: Non-Finnish European, 0.000085%; no homozygotes.

Submission:

Ambry Genetics
Classification: Uncertain significance for Hereditary cancer-predisposing syndrome. Last evaluated: 2024-09-18. Review status: criteria provided, single submitter. Criteria: Ambry Variant Classification Scheme 2023. Collection method: clinical testing. Allele origin: germline.
Comment: The p.A553T variant (also known as c.1657G>A), located in coding exon 9 of the DICER1 gene, results from a G to A substitution at nucleotide position 1657. The alanine at codon 553 is replaced by threonine, an amino acid with similar properties. This amino acid position is conserved. In addition, this alteration is predicted to be deleterious by in silico analysis. Based on the available evidence, the clinical significance of this variant remains unclear.

NM_177438.3(DICER1):c.1657G>A (p.Ala553Thr)

Gene: DICER1 (dicer 1, ribonuclease III; minus strand). Cytogenetic location: 14q32.13.
Variant type: single nucleotide variant.
Coding change: c.1657G>A on transcript NM_177438.3 (MANE Select); coding-DNA position 1657, G replaced by A.
Protein change: p.Ala553Thr; replaces alanine 553 with threonine.
Molecular consequence: missense variant. On other transcripts: 5 prime UTR variant (1), non-coding transcript variant (6).
Genome position (GRCh38, 1-based): chr14:95,116,548, C>T on the plus strand (G>A on the coding strand, the complement: DICER1 is on the minus strand). VCF-style: chr14-95116548-C-T. GRCh37 (hg19) VCF-style: chr14-95582885-C-T.
Other names: c.1657G>A, p.Ala553Thr (NM_001195573.1, NM_001271282.3, NM_001291628.2 and 12 more transcripts); c.1375G>A, p.Ala459Thr (NM_001395686.1); c.1252G>A, p.Ala418Thr (NM_001395687.1, NM_001395688.1, NM_001395689.1 and 3 more transcripts); c.1090G>A, p.Ala364Thr (NM_001395691.1); c.-27G>A (NM_001395697.1); short protein forms A418T, A364T, A459T, A553T.
Identifiers: ClinVar variation 3501906 (VCV003501906.1).